The following is an entry in ClinVar:

ClinVar aggregate classification (germline): Conflicting classifications of pathogenicity. Review status: criteria provided, conflicting classifications (1 of 4 stars). 13 submissions from 13 submitters: Uncertain significance (9); Benign (1); Likely benign (3). Last evaluated 2026-07-29.

Conditions:
Classic or attenuated familial adenomatous polyposis. Identifiers: MedGen CN372698, MONDO:0021057.
APC-related disorder. Also called: APC-related condition.
Hereditary cancer-predisposing syndrome. Also called: Neoplastic Syndromes, Hereditary; Tumor predisposition; Hereditary Cancer Syndrome; Hereditary neoplastic syndrome. Identifiers: Orphanet 140162, MedGen C0027672, MeSH D009386, MONDO:0015356.
Familial adenomatous polyposis 1 (FAP1). Also called: FAMILIAL ADENOMATOUS POLYPOSIS 1, ATTENUATED; POLYPOSIS, ADENOMATOUS INTESTINAL. Identifiers: MedGen C2713442, MONDO:0021056, OMIM 175100. Disease mechanism: loss of function.

Allele frequency attached by ClinVar (database versions not stated): ExAC 0.00002; gnomAD 0.00002; TOPMed 0.00002; gnomAD exomes 0.00003.
gnomAD v4.1: 78 of 1,613,888 alleles (0.0048%); highest among the groups gnomAD compares: African/African-American, 0.013%; no homozygotes.

Submissions (13):

PreventionGenetics, part of Exact Sciences
Classification: Uncertain significance for APC-related condition. Last evaluated: 2026-07-29. Review status: criteria provided, single submitter. Criteria: ACMG Guidelines, 2015. Collection method: clinical testing. Allele origin: germline.
Comment: The APC c.8141G>A variant is predicted to result in the amino acid substitution p.Arg2714His. This variant was reported in individuals with breast cancer (Supp. Table 3, Guindalini et al. 2022. PubMed ID: 35264596; Supp. Table 3, de Oliveira et al. 2022. PubMed ID: 35534704), pancreatic cancer (Table S2, Rodrigues et al. 2024. PubMed ID: 39256447) and in an individual that had multigene panel testing for Lynch syndrome (Table S3, Yurgelun et al. 2015. PubMed ID: 25980754). This variant is reported in 0.016% of alleles in individuals of African descent in gnomAD. This variant has conflicting interpretations in ClinVar ranging from uncertain to likely benign (Variation ID: 411478). At this time, the clinical significance of this variant is uncertain due to the absence of conclusive functional and genetic evidence.

Labcorp Genetics (formerly Invitae), Labcorp
Classification: Uncertain significance for Familial adenomatous polyposis 1. Last evaluated: 2026-02-01. Review status: criteria provided, single submitter. Criteria: Invitae Variant Classification Sherloc (09022015). Collection method: clinical testing. Allele origin: germline.
Comment: This sequence change replaces arginine, which is basic and polar, with histidine, which is basic and polar, at codon 2714 of the APC protein (p.Arg2714His). This variant is present in population databases (rs747362422, gnomAD 0.01%). This missense change has been observed in individual(s) with breast cancer, clinical features of Lynch syndrome, and/or colon polyps (PMID: 25980754, 35264596, 35534704). ClinVar contains an entry for this variant (Variation ID: 411478). Invitae Evidence Modeling of protein sequence and biophysical properties (such as structural, functional, and spatial information, amino acid conservation, physicochemical variation, residue mobility, and thermodynamic stability) indicates that this missense variant is not expected to disrupt APC protein function with a negative predictive value of 95%. In summary, the available evidence is currently insufficient to determine the role of this variant in disease. Therefore, it has been classified as a Variant of Uncertain Significance.

Color Diagnostics, LLC DBA Color Health
Classification: Likely benign for Hereditary cancer-predisposing syndrome. Last evaluated: 2025-11-11. Review status: criteria provided, single submitter. Criteria: ACMG Guidelines, 2015. Collection method: clinical testing. Allele origin: germline.

Quest Diagnostics Nichols Institute San Juan Capistrano
Classification: Uncertain significance. Last evaluated: 2025-06-02. Review status: criteria provided, single submitter. Criteria: Quest Diagnostics criteria. Collection method: clinical testing. Allele origin: unknown.
Comment: The APC c.8141G>A (p.Arg2714His) variant has been reported in the published literature in individuals with pancreatic adenocarcinoma (PMID: 39256447 (2024)) and Lynch-associated cancers (PMID: 25980754 (2015)), including breast cancer (PMIDs: 35264596 (2022), 35534704 (2022)). The frequency of this variant in the general population (Genome Aggregation Database) is higher than would generally be expected for pathogenic variants in this gene. Analysis of this variant using bioinformatics tools for the prediction of the effect of amino acid changes on protein structure and function yielded predictions that this variant is benign. Based on the available information, we are unable to determine the clinical significance of this variant.

Dasa
Classification: Likely benign. Last evaluated: 2025-05-24. Review status: criteria provided, single submitter. Criteria: DASA Assertion Criteria. Collection method: clinical testing. Allele origin: germline.
Comment: NM_000038.6(APC):c.8141G>A (p.Arg2714His) is a missense variant that results in the substitution of arginine with histidine. Population frequency is inconsistent with a disease-causing role for this variant, and the variant context is inconsistent with a known disease-causing mechanism. Therefore, based on the currently available evidence, this variant is classified as likely benign.

GeneDx
Classification: Uncertain significance. Last evaluated: 2025-03-18. Review status: criteria provided, single submitter. Criteria: GeneDx Variant Classification Process June 2021. Collection method: clinical testing. Allele origin: germline. Affected: yes.
Comment: In silico analysis indicates that this missense variant does not alter protein structure/function; This variant is associated with the following publications: (PMID: 30981987, 22510280, 27882345, 28188106, 31202631, 29338072, 25980754, 18199528, 35534704, 35264596, 37937776)

Center for Genomic Medicine, Rigshospitalet, Copenhagen University Hospital
Classification: Likely benign. Last evaluated: 2025-03-04. Review status: criteria provided, single submitter. Criteria: ACMG Guidelines, 2015. Collection method: clinical testing. Allele origin: germline.

Institute for Biomarker Research, Medical Diagnostic Laboratories, L.L.C.
Classification: Uncertain significance for Hereditary cancer-predisposing syndrome. Last evaluated: 2024-04-16. Review status: criteria provided, single submitter. Criteria: ACMG Guidelines, 2015. Collection method: clinical testing. Allele origin: germline.

All of Us Research Program, National Institutes of Health
Classification: Uncertain significance for Classic or attenuated familial adenomatous polyposis. Last evaluated: 2024-01-11. Review status: criteria provided, single submitter. Criteria: ACMG Guidelines, 2015. Collection method: clinical testing. Allele origin: germline. Inheritance: Autosomal dominant inheritance. Observed: 9 variant alleles, 9 heterozygotes.
Comment: This missense variant replaces arginine with histidine at codon 2714 of the APC protein. Computational prediction suggests that this variant may not impact protein structure and function (internally defined REVEL score threshold <= 0.5, PMID: 27666373). To our knowledge, functional studies have not been reported for this variant. This variant has not been reported in individuals affected with APC-related disorders in the literature. This variant has been identified in 9/282714 chromosomes in the general population by the Genome Aggregation Database (gnomAD). The available evidence is insufficient to determine the role of this variant in disease conclusively. Therefore, this variant is classified as a Variant of Uncertain Significance.

This study involves interpretation of variants in research participants for the purpose of population health screening. Participant phenotype was not available at the time of variant classification. Additional details can be found in publication PMID: 35346344, PMCID: PMC8962531

Sema4
Classification: Uncertain significance for Hereditary cancer-predisposing syndrome. Last evaluated: 2022-02-14. Review status: criteria provided, single submitter. Criteria: Sema4 Curation Guidelines. Collection method: curation. Allele origin: germline.
Comment: The APC c.8141G>A (p.R2714H) variant has been reported in heterozygosity in at least one individual undergoing genetic testing for Lynch syndrome or polyps (PMID: 25980754). It was observed in 4/24964 chromosomes of the African/African American subpopulation in the large and broad cohorts of the Genome Aggregation Database (PMID: 32461654). The variant has been reported in ClinVar (Variation ID 411478). Functional studies have not been performed, and in silico predictions of the variant's effect on protein function are inconclusive. The evidence is insufficient to meet ACMG/AMP criteria for classifying the variant as benign or pathogenic. Thus, the clinical significance of this variant is currently uncertain.

Women's Health and Genetics/Laboratory Corporation of America, LabCorp
Classification: Uncertain significance. Last evaluated: 2021-08-23. Review status: criteria provided, single submitter. Criteria: LabCorp Variant Classification Summary - May 2015. Collection method: clinical testing. Allele origin: germline.
Comment: Variant summary: APC c.8141G>A (p.Arg2714His) results in a non-conservative amino acid change located in the EB-1 binding (IPR009232) of the encoded protein sequence. Four of five in-silico tools predict a benign effect of the variant on protein function. The variant allele was found at a frequency of 2.8e-05 in 251318 control chromosomes. The available data on variant occurrences in the general population are insufficient to allow any conclusion about variant significance. c.8141G>A has been reported in the literature as a VUS in settings of multigene panel testing in at-least one individual affected with colorectal cancer (example, Yurgelun_2015). These report(s) do not provide unequivocal conclusions about association of the variant with Familial Adenomatous Polyposis. To our knowledge, no experimental evidence demonstrating an impact on protein function has been reported. Seven clinical diagnostic laboratories have submitted clinical-significance assessments for this variant to ClinVar after 2014 without evidence for independent evaluation (likely benign, n=1; VUS, n=6). Based on the evidence outlined above, the variant was classified as uncertain significance.

Ambry Genetics
Classification: Benign for Hereditary cancer-predisposing syndrome. Last evaluated: 2021-02-09. Review status: criteria provided, single submitter. Criteria: Ambry Variant Classification Scheme 2023. Collection method: clinical testing. Allele origin: germline.

Mendelics
Classification: Uncertain significance for Familial adenomatous polyposis 1. Last evaluated: 2018-07-02. Review status: criteria provided, single submitter. Criteria: Mendelics Assertion Criteria 2017. Collection method: clinical testing. Allele origin: unknown.

Literature cited by the submitters: PubMed 25980754 (cited by 4 submitters); PubMed 35264596 (cited by Labcorp Genetics (formerly Invitae), Labcorp and Quest Diagnostics Nichols Institute San Juan Capistrano); PubMed 35534704 (cited by Labcorp Genetics (formerly Invitae), Labcorp and Quest Diagnostics Nichols Institute San Juan Capistrano); PubMed 28891274 (cited by Quest Diagnostics Nichols Institute San Juan Capistrano and Ambry Genetics); PubMed 29338072 (cited by Quest Diagnostics Nichols Institute San Juan Capistrano); PubMed 39256447 (cited by Quest Diagnostics Nichols Institute San Juan Capistrano); PubMed 35204808 (cited by Quest Diagnostics Nichols Institute San Juan Capistrano).

NM_000038.6(APC):c.8141G>A (p.Arg2714His)

Gene: APC (APC regulator of Wnt signaling pathway; plus strand). Cytogenetic location: 5q22.2.
Variant type: single nucleotide variant.
Coding change: c.8141G>A on transcript NM_000038.6 (MANE Select); coding-DNA position 8141, G replaced by A.
Protein change: p.Arg2714His; replaces arginine 2714 with histidine.
Molecular consequence: missense variant.
Genome position (GRCh38, 1-based): chr5:112,843,735, G>A. VCF-style: chr5-112843735-G-A. GRCh37 (hg19) VCF-style: chr5-112179432-G-A.
Other names: c.8141G>A, p.Arg2714His (NM_001127510.3, NM_001354895.2); c.8087G>A, p.Arg2696His (NM_001127511.3); c.8195G>A, p.Arg2732His (NM_001354896.2); c.8171G>A, p.Arg2724His (NM_001354897.2); c.8066G>A, p.Arg2689His (NM_001354898.2); c.8057G>A, p.Arg2686His (NM_001354899.2); c.8018G>A, p.Arg2673His (NM_001354900.2); c.7964G>A, p.Arg2655His (NM_001354901.2); and 5 more; short protein forms R2696H, R2714H, R2655H, R2686H, R2689H, R2613H, R2623H, R2431H.
Identifiers: ClinVar variation 411478 (VCV000411478.49), dbSNP rs747362422, ClinGen allele CA049981.
Genomic context (GRCh38, chr5:112,843,735, plus strand): 5'-TTAAAGATTCAAAAGATAATCAGGCAAAACAAAATGTGGGTAATGGCAGTGTTCCCATGC[G>A]TACCGTGGGTTTGGAAAATCGCCTGAACTCCTTTATTCAGGTGGATGCCCCTGACCAAAA-3'
Protein context (NP_000029.2, residues 2704-2724): QNVGNGSVPM[Arg2714His]TVGLENRLNS